The following is an entry in ClinVar:

ClinVar aggregate classification (germline): Uncertain significance (1 of 4 stars; one submission).

Conditions:
Hereditary cancer-predisposing syndrome. Also called: Neoplastic Syndromes, Hereditary; Tumor predisposition; Hereditary Cancer Syndrome; Hereditary neoplastic syndrome. Identifiers: Orphanet 140162, MedGen C0027672, MeSH D009386, MONDO:0015356.

Submission:

Ambry Genetics
Classification: Uncertain significance for Hereditary cancer-predisposing syndrome. Last evaluated: 2026-03-27. Review status: criteria provided, single submitter. Criteria: Ambry Variant Classification Scheme 2023. Collection method: clinical testing. Allele origin: germline.
Comment: The c.2511_2513delCAA variant (also known as p.N837del) is located in coding exon 15 of the PTCH1 gene. This variant results from an in-frame CAA deletion at nucleotide positions 2511 to 2513. This results in the in-frame deletion of an asparagine at codon 837. This amino acid region is not well conserved in available vertebrate species. In addition, this variant is predicted to be deleterious by in silico analysis (Choi Y et al. PLoS ONE. 2012; 7(10):e46688). Based on the available evidence, the clinical significance of this variant remains unclear.

NM_000264.5(PTCH1):c.2511_2513del (p.Asn837del)

Genes: PTCH1 (patched 1; minus strand), LOC100507346 (uncharacterized LOC100507346; plus strand). Cytogenetic location: 9q22.32.
Variant type: Deletion.
Coding change: c.2511_2513del on transcript NM_000264.5 (MANE Select); coding-DNA positions 2511 to 2513, 3 bases deleted (CAA; older notation c.2511_2513delCAA).
Protein change: p.Asn837del; deletes asparagine 837.
Molecular consequence: inframe deletion. On other transcripts: non-coding transcript variant (2), inframe indel (1).
Genome position (GRCh38, 1-based): chr9:95,467,163-95,467,165, TTG deleted on the plus strand (CAA on the coding strand, the reverse complement: PTCH1 is on the minus strand); deleting any 3 consecutive bases within chr9:95,467,163-95,467,167 gives the same sequence; the c. name uses the placement nearest the transcript's 3' end. VCF-style (leftmost placement, unchanged base first): chr9-95467162-TTTG-T. GRCh37 (hg19) VCF-style: chr9-98229444-TTTG-T.
Other names: c.2058_2060del, p.Asn686del (NM_001083607.3, NM_001083604.3, NM_001083605.3 and 1 more transcripts); c.2355_2357del, p.Asn785del (NM_001354918.2); c.2313_2315del, p.Asn771del (NM_001083602.3); c.2508_2510del, p.Asn836del (NM_001083603.3); c.2511_2513delCAA (NM_000264.3); short protein forms N686del, N771del, N785del, N836del, N837del.
Identifiers: ClinVar variation 4862642 (VCV004862642.1).